The following is an entry in ClinVar:

ClinVar aggregate classification (germline): Likely benign. Review status: criteria provided, multiple submitters, no conflicts (2 of 4 stars). 3 submissions from 3 submitters: Likely benign (2). 1 of the submissions does not count toward it. Last evaluated 2023-03-23.

Conditions:
Hereditary cancer-predisposing syndrome. Also called: Neoplastic Syndromes, Hereditary; Tumor predisposition; Hereditary Cancer Syndrome; Hereditary neoplastic syndrome. Identifiers: Orphanet 140162, MedGen C0027672, MeSH D009386, MONDO:0015356.
Breast-ovarian cancer, familial, susceptibility to, 2 (BROVCA2). Also called: BRCA2 Hereditary Breast and Ovarian Cancer. Identifiers: Orphanet 145, MedGen C2675520, MONDO:0012933, OMIM 612555. Disease mechanism: loss of function.

Submissions (3):

University of Washington Department of Laboratory Medicine, University of Washington
Classification: Likely benign for Hereditary cancer-predisposing syndrome. Last evaluated: 2023-03-23. Review status: criteria provided, single submitter. Criteria: Dines et al. (Genet Med. 2020). Collection method: curation. Allele origin: germline.
Comment: Missense variant in a coldspot region where missense variants are very unlikely to be pathogenic (PMID:31911673).

BRCA2 exon 10 coldspot. Reclassification based on statistical prior probability.

Clinical Genetics DNA and cytogenetics Diagnostics Lab, Erasmus MC, Erasmus Medical Center
Classification: Likely benign for Breast-ovarian cancer, familial, susceptibility to, 2. Last evaluated: 2015-09-21. Review status: criteria provided, single submitter. Criteria: ACGS Guidelines, 2013. Collection method: clinical testing. Allele origin: germline. Affected: yes. Study: VKGL Data-share Consensus.

Diagnostic Laboratory, Department of Genetics, University Medical Center Groningen
Classification: Likely benign for Breast-ovarian cancer, familial, susceptibility to, 2. Review status: no assertion criteria provided. Collection method: clinical testing. Allele origin: germline. Affected: yes. Study: VKGL Data-share Consensus. Not counted in ClinVar's aggregate classification.

NM_000059.4(BRCA2):c.1675G>A (p.Asp559Asn)

Gene: BRCA2 (BRCA2 DNA repair associated; plus strand). Cytogenetic location: 13q13.1.
Variant type: single nucleotide variant.
Coding change: c.1675G>A on transcript NM_000059.4 (MANE Select); coding-DNA position 1675, G replaced by A.
Protein change: p.Asp559Asn; replaces aspartic acid 559 with asparagine.
Molecular consequence: missense variant.
Genome position (GRCh38, 1-based): chr13:32,333,153, G>A. VCF-style: chr13-32333153-G-A. GRCh37 (hg19) VCF-style: chr13-32907290-G-A.
Other names: short protein forms D559N.
Identifiers: ClinVar variation 518255 (VCV000518255.4), dbSNP rs1555282012, ClinGen allele CA387765105.